The following is an entry in ClinVar:

NM_020928.2(ZSWIM6):c.2768C>T (p.Thr923Met)

Gene: ZSWIM6 (zinc finger SWIM-type containing 6; plus strand). Cytogenetic location: 5q12.1.
Variant type: single nucleotide variant.
Coding change: c.2768C>T on transcript NM_020928.2 (MANE Select); coding-DNA position 2768, C replaced by T.
Protein change: p.Thr923Met; replaces threonine 923 with methionine.
Molecular consequence: missense variant.
Genome position (GRCh38, 1-based): chr5:61,541,948, C>T. VCF-style: chr5-61541948-C-T. GRCh37 (hg19) VCF-style: chr5-60837775-C-T.
Other names: short protein forms T923M.
Identifiers: ClinVar variation 1438779 (VCV001438779.8), dbSNP rs1169488324, ClinGen allele CA359946106.

ClinVar aggregate classification (germline): Uncertain significance (1 of 4 stars; one submission).

Allele frequency attached by ClinVar (database versions not stated): gnomAD exomes below 0.00001 and 0.00001; gnomAD 0.00001; TOPMed 0.00001.
gnomAD v4.1: 7 of 1,550,374 alleles (0.00045%); highest among the groups gnomAD compares: Admixed American, 0.002%; no homozygotes.

Submission:

Labcorp Genetics (formerly Invitae), Labcorp
Classification: Uncertain significance. Last evaluated: 2023-05-31. Review status: criteria provided, single submitter. Criteria: Invitae Variant Classification Sherloc (09022015). Collection method: clinical testing. Allele origin: germline.
Comment: In summary, the available evidence is currently insufficient to determine the role of this variant in disease. Therefore, it has been classified as a Variant of Uncertain Significance. Advanced modeling of protein sequence and biophysical properties (such as structural, functional, and spatial information, amino acid conservation, physicochemical variation, residue mobility, and thermodynamic stability) performed at Invitae indicates that this missense variant is not expected to disrupt ZSWIM6 protein function. ClinVar contains an entry for this variant (Variation ID: 1438779). This variant has not been reported in the literature in individuals affected with ZSWIM6-related conditions. This variant is present in population databases (no rsID available, gnomAD 0.002%). This sequence change replaces threonine, which is neutral and polar, with methionine, which is neutral and non-polar, at codon 923 of the ZSWIM6 protein (p.Thr923Met).